The following is an entry in ClinVar:

ClinVar aggregate classification (germline): Uncertain significance (1 of 4 stars; one submission).

Conditions:
Cardiovascular phenotype. Identifiers: MedGen CN230736.

Submission:

Ambry Genetics
Classification: Uncertain significance for Cardiovascular phenotype. Last evaluated: 2026-06-25. Review status: criteria provided, single submitter. Criteria: Ambry Variant Classification Scheme 2023. Collection method: clinical testing. Allele origin: germline.
Comment: The p.C421G variant (also known as c.1261T>G), located in coding exon 10 of the JAG1 gene, results from a T to G substitution at nucleotide position 1261. The cysteine at codon 421 is replaced by glycine, an amino acid with highly dissimilar properties. This amino acid position is conserved. In addition, this alteration is predicted to be deleterious by in silico analysis. Based on the available evidence, the clinical significance of this variant remains unclear.

NM_000214.3(JAG1):c.1261T>G (p.Cys421Gly)

Gene: JAG1 (jagged canonical Notch ligand 1; minus strand). Cytogenetic location: 20p12.2.
Variant type: single nucleotide variant.
Coding change: c.1261T>G on transcript NM_000214.3 (MANE Select); coding-DNA position 1261, T replaced by G.
Protein change: p.Cys421Gly; replaces cysteine 421 with glycine.
Molecular consequence: missense variant.
Genome position (GRCh38, 1-based): chr20:10,649,609, A>C on the plus strand (T>G on the coding strand, the complement: JAG1 is on the minus strand). VCF-style: chr20-10649609-A-C. GRCh37 (hg19) VCF-style: chr20-10630257-A-C.
Other names: short protein forms C421G.
Identifiers: ClinVar variation 5022876 (VCV005022876.1).
Genomic context (GRCh38, chr20:10,649,609, plus strand): 5'-CGGGAAGACAGTCGCAGTAGTAGCTGGCAATGAGATTCTTACAGGATTTGGCGTTTACAC[A>C]AGGTTTGGCCTCACATTCATTTGCATCTGAAAGGAGATGGGGATGAGCATGAGAAATGAA-3'
Protein context (NP_000205.1, residues 411-431): LDANECEAKP[Cys421Gly]VNAKSCKNLI